The following is an entry in ClinVar:

NM_015631.6(TCTN3):c.256G>T (p.Val86Phe)

Genes: TCTN3 (tectonic family member 3; minus strand), LOC130004408 (ATAC-STARR-seq lymphoblastoid active region 3801; plus strand). Cytogenetic location: 10q24.1.
Variant type: single nucleotide variant.
Coding change: c.256G>T on transcript NM_015631.6 (MANE Select); coding-DNA position 256, G replaced by T.
Protein change: p.Val86Phe; replaces valine 86 with phenylalanine.
Molecular consequence: missense variant.
Genome position (GRCh38, 1-based): chr10:95,693,644, C>A on the plus strand (G>T on the coding strand, the complement: TCTN3 is on the minus strand). VCF-style: chr10-95693644-C-A. GRCh37 (hg19) VCF-style: chr10-97453401-C-A.
Other names: c.310G>T, p.Val104Phe (NM_001013840.1); c.256G>T, p.Val86Phe (NM_001143973.2, NM_001410982.1); short protein forms V104F, V86F.
Identifiers: ClinVar variation 2134158 (VCV002134158.4), dbSNP rs1479797302, ClinGen allele CA377713040.
Genomic context (GRCh38, chr10:95,693,644, plus strand): 5'-TTGCTCACAGAATTTTAGATCTCAGAAGTAAGTTTCCACCCCCACAACGTTTTCCCTCAC[C>A]TGGGAAGAGGTCCACAGTCCTATTCCCAGGGGCCGAGGGAGTCACGAGAGTAGGGACCAC-3'
Protein context (NP_056446.4, residues 76-96): PGNRTVDLFP[Val86Phe]LPICVCDLTP

ClinVar aggregate classification (germline): Uncertain significance (1 of 4 stars; one submission).

Conditions:
Joubert syndrome 18 (JBTS18). Identifiers: Orphanet 2754, MedGen C3553758, MONDO:0013896, OMIM 614815.
Orofacial-digital syndrome IV (OFD4). Also called: BARAITSER-BURN SYNDROME; OFD SYNDROME WITH TIBIAL DEFECTS; OFD SYNDROME, BARAITSER-BURN TYPE; OFDS IV; ORAL-FACIAL-DIGITAL SYNDROME, TYPE IV; Orofaciodigital syndrome IV. Identifiers: Orphanet 2753, MedGen C0406727, MONDO:0009794, OMIM 258860.

Submission:

Labcorp Genetics (formerly Invitae), Labcorp
Classification: Uncertain significance for Joubert syndrome 18; Orofacial-digital syndrome IV. Last evaluated: 2022-06-20. Review status: criteria provided, single submitter. Criteria: Invitae Variant Classification Sherloc (09022015). Collection method: clinical testing. Allele origin: germline.
Comment: Algorithms developed to predict the effect of missense changes on protein structure and function are either unavailable or do not agree on the potential impact of this missense change (SIFT: "Deleterious"; PolyPhen-2: "Possibly Damaging"; Align-GVGD: "Class C0"). Variants that disrupt the consensus splice site are a relatively common cause of aberrant splicing (PMID: 17576681, 9536098). Algorithms developed to predict the effect of sequence changes on RNA splicing suggest that this variant may disrupt the consensus splice site. In summary, the available evidence is currently insufficient to determine the role of this variant in disease. Therefore, it has been classified as a Variant of Uncertain Significance. This sequence change replaces valine, which is neutral and non-polar, with phenylalanine, which is neutral and non-polar, at codon 86 of the TCTN3 protein (p.Val86Phe). This variant also falls at the last nucleotide of exon 1, which is part of the consensus splice site for this exon. This variant is not present in population databases (gnomAD no frequency). This variant has not been reported in the literature in individuals affected with TCTN3-related conditions.

Literature cited by the submitters: PubMed 17576681; PubMed 9536098.